The following is an entry in ClinVar:

ClinVar aggregate classification (germline): Uncertain significance. Review status: criteria provided, multiple submitters, no conflicts (2 of 4 stars). 2 submissions from 2 submitters: Uncertain significance (2). Last evaluated 2026-03-09.

Conditions:
Hereditary cancer-predisposing syndrome. Also called: Hereditary Cancer Syndrome; Tumor predisposition; Neoplastic Syndromes, Hereditary; Hereditary neoplastic syndrome. Identifiers: Orphanet 140162, MedGen C0027672, MeSH D009386, MONDO:0015356.
Rhabdoid tumor predisposition syndrome 2 (RTPS2). Identifiers: Orphanet 231108, Orphanet 69077, MedGen C2750074, MONDO:0013224, OMIM 613325.

Allele frequency attached by ClinVar (database versions not stated): ExAC 0.00001; gnomAD exomes 0.00001.
gnomAD v4.1: 3 of 1,609,418 alleles (0.00019%); highest among the groups gnomAD compares: Non-Finnish European, 0.00017%; no homozygotes.

Submissions (2):

Ambry Genetics
Classification: Uncertain significance for Hereditary cancer-predisposing syndrome. Last evaluated: 2026-03-09. Review status: criteria provided, single submitter. Criteria: Ambry Variant Classification Scheme 2023. Collection method: clinical testing. Allele origin: germline.
Comment: The p.G274D variant (also known as c.821G>A), located in coding exon 4 of the SMARCA4 gene, results from a G to A substitution at nucleotide position 821. The glycine at codon 274 is replaced by aspartic acid, an amino acid with similar properties. This amino acid position is highly conserved in available vertebrate species. In addition, this alteration is predicted to be deleterious by in silico analysis. This variant was detected as heterozygous in individual(s) with no reported features of Coffin-Siris syndrome (Ambry internal data). Based on the supporting evidence, the association of this alteration with rhabdoid tumor predisposition syndrome is unknown; however, the association of this alteration with Coffin-Siris syndrome is unlikely.

Labcorp Genetics (formerly Invitae), Labcorp
Classification: Uncertain significance for Rhabdoid tumor predisposition syndrome 2. Last evaluated: 2022-05-16. Review status: criteria provided, single submitter. Criteria: Invitae Variant Classification Sherloc (09022015). Collection method: clinical testing. Allele origin: germline.
Comment: In summary, the available evidence is currently insufficient to determine the role of this variant in disease. Therefore, it has been classified as a Variant of Uncertain Significance. Algorithms developed to predict the effect of missense changes on protein structure and function (SIFT, PolyPhen-2, Align-GVGD) all suggest that this variant is likely to be disruptive. ClinVar contains an entry for this variant (Variation ID: 837438). This variant has not been reported in the literature in individuals affected with SMARCA4-related conditions. This variant is present in population databases (rs762655769, gnomAD 0.006%). This sequence change replaces glycine, which is neutral and non-polar, with aspartic acid, which is acidic and polar, at codon 274 of the SMARCA4 protein (p.Gly274Asp).

NM_003072.5(SMARCA4):c.821G>A (p.Gly274Asp)

Gene: SMARCA4 (SWI/SNF related BAF chromatin remodeling complex subunit ATPase 4; plus strand). Cytogenetic location: 19p13.2.
Variant type: single nucleotide variant.
Coding change: c.821G>A on transcript NM_003072.5 (MANE Select); coding-DNA position 821, G replaced by A.
Protein change: p.Gly274Asp; replaces glycine 274 with aspartic acid.
Molecular consequence: missense variant. On other transcripts: non-coding transcript variant (1).
Genome position (GRCh38, 1-based): chr19:10,986,965, G>A. VCF-style: chr19-10986965-G-A. GRCh37 (hg19) VCF-style: chr19-11097641-G-A.
Other names: c.821G>A, p.Gly274Asp (NM_001128844.3, NM_001128845.2, NM_001128846.2 and 4 more transcripts); short protein forms G274D.
Identifiers: ClinVar variation 837438 (VCV000837438.14), dbSNP rs762655769, ClinGen allele CA9203589.